The following is an entry in ClinVar:

NM_018975.4(TERF2IP):c.938C>T (p.Ala313Val)

Gene: TERF2IP (TERF2 interacting protein; plus strand). Cytogenetic location: 16q23.1.
Variant type: single nucleotide variant.
Coding change: c.938C>T on transcript NM_018975.4 (MANE Select); coding-DNA position 938, C replaced by T.
Protein change: p.Ala313Val; replaces alanine 313 with valine.
Molecular consequence: missense variant. On other transcripts: non-coding transcript variant (1).
Genome position (GRCh38, 1-based): chr16:75,656,349, C>T. VCF-style: chr16-75656349-C-T. GRCh37 (hg19) VCF-style: chr16-75690247-C-T.
Other names: short protein forms A313V.
Identifiers: ClinVar variation 3325430 (VCV003325430.1).

ClinVar aggregate classification (germline): Uncertain significance (1 of 4 stars; one submission).

Submission:

Ambry Genetics
Classification: Uncertain significance. Last evaluated: 2024-05-04. Review status: criteria provided, single submitter. Criteria: Ambry Variant Classification Scheme 2023. Collection method: clinical testing. Allele origin: germline.
Comment: The p.A313V variant (also known as c.938C>T), located in coding exon 3 of the TERF2IP gene, results from a C to T substitution at nucleotide position 938. The alanine at codon 313 is replaced by valine, an amino acid with similar properties. This amino acid position is conserved. In addition, this alteration is predicted to be tolerated by in silico analysis. Based on the available evidence, the clinical significance of this variant remains unclear.